The following is an entry in ClinVar:

ClinVar aggregate classification (germline): Uncertain significance (1 of 4 stars; one submission).

Conditions:
Gorlin syndrome. Also called: Basal cell nevus syndrome; Nevoid Basal Cell Carcinoma Syndrome. Identifiers: Orphanet 377, MedGen C0004779, MONDO:0007187.

Submission:

Labcorp Genetics (formerly Invitae), Labcorp
Classification: Uncertain significance for Gorlin syndrome. Last evaluated: 2021-05-27. Review status: criteria provided, single submitter. Criteria: Invitae Variant Classification Sherloc (09022015). Collection method: clinical testing. Allele origin: germline.
Comment: In summary, the available evidence is currently insufficient to determine the role of this variant in disease. Therefore, it has been classified as a Variant of Uncertain Significance. This variant has not been reported in the literature in individuals with PTCH2-related conditions. Algorithms developed to predict the effect of missense changes on protein structure and function (SIFT, PolyPhen-2, Align-GVGD) all suggest that this variant is likely to be tolerated, but these predictions have not been confirmed by published functional studies and their clinical significance is uncertain. This sequence change replaces methionine with isoleucine at codon 172 of the PTCH2 protein (p.Met172Ile). The methionine residue is moderately conserved and there is a small physicochemical difference between methionine and isoleucine. This variant is not present in population databases (ExAC no frequency).

NM_003738.5(PTCH2):c.516G>A (p.Met172Ile)

Gene: PTCH2 (patched 2; minus strand). Cytogenetic location: 1p34.1.
Variant type: single nucleotide variant.
Coding change: c.516G>A on transcript NM_003738.5 (MANE Select); coding-DNA position 516, G replaced by A.
Protein change: p.Met172Ile; replaces methionine 172 with isoleucine.
Molecular consequence: missense variant.
Genome position (GRCh38, 1-based): chr1:44,831,984, C>T on the plus strand (G>A on the coding strand, the complement: PTCH2 is on the minus strand). VCF-style: chr1-44831984-C-T. GRCh37 (hg19) VCF-style: chr1-45297656-C-T.
Other names: c.516G>A, p.Met172Ile (NM_001166292.2); short protein forms M172I.
Identifiers: ClinVar variation 1437823 (VCV001437823.8), dbSNP rs765585001, ClinGen allele CA340108064.